The following is an entry in ClinVar:

ClinVar aggregate classification (germline): Uncertain significance. Review status: criteria provided, multiple submitters, no conflicts (2 of 4 stars). 4 submissions from 4 submitters: Uncertain significance (4). Last evaluated 2026-03-28.

Conditions:
CDHR1-related disorder. Also called: CDHR1-related condition.
Inborn genetic diseases. Identifiers: MedGen C0950123, MeSH D030342.

Allele frequency attached by ClinVar (database versions not stated): gnomAD exomes 0.00004 and 0.00002; TOPMed 0.00006; ESP Exome Variant Server 0.00008; gnomAD 0.00011 and 0.00012.

Submissions (4):

PreventionGenetics, part of Exact Sciences
Classification: Uncertain significance for CDHR1-related condition. Last evaluated: 2026-03-28. Review status: criteria provided, single submitter. Criteria: ACMG Guidelines, 2015. Collection method: clinical testing. Allele origin: germline.
Comment: The CDHR1 c.395C>T variant is predicted to result in the amino acid substitution p.Ala132Val. To our knowledge, this variant has not been reported in the literature. This variant is reported in 0.040% of alleles in individuals of African descent in gnomAD. At this time, the clinical significance of this variant is uncertain due to the absence of conclusive functional and genetic evidence.

Ambry Genetics
Classification: Uncertain significance for Inborn genetic diseases. Last evaluated: 2025-06-03. Review status: criteria provided, single submitter. Criteria: Ambry Variant Classification Scheme 2023. Collection method: clinical testing. Allele origin: germline.

Labcorp Genetics (formerly Invitae), Labcorp
Classification: Uncertain significance. Last evaluated: 2025-01-13. Review status: criteria provided, single submitter. Criteria: Invitae Variant Classification Sherloc (09022015). Collection method: clinical testing. Allele origin: germline.
Comment: This sequence change replaces alanine, which is neutral and non-polar, with valine, which is neutral and non-polar, at codon 132 of the CDHR1 protein (p.Ala132Val). This variant is present in population databases (rs137998775, gnomAD 0.04%). This variant has not been reported in the literature in individuals affected with CDHR1-related conditions. ClinVar contains an entry for this variant (Variation ID: 1045044). Invitae Evidence Modeling of protein sequence and biophysical properties (such as structural, functional, and spatial information, amino acid conservation, physicochemical variation, residue mobility, and thermodynamic stability) indicates that this missense variant is not expected to disrupt CDHR1 protein function with a negative predictive value of 80%. In summary, the available evidence is currently insufficient to determine the role of this variant in disease. Therefore, it has been classified as a Variant of Uncertain Significance.

Blueprint Genetics
Classification: Uncertain significance. Last evaluated: 2019-12-10. Review status: criteria provided, single submitter. Criteria: ACMG Guidelines, 2015. Collection method: clinical testing. Allele origin: germline.

NM_033100.4(CDHR1):c.395C>T (p.Ala132Val)

Gene: CDHR1 (cadherin related family member 1; plus strand). Cytogenetic location: 10q23.1.
Variant type: single nucleotide variant.
Coding change: c.395C>T on transcript NM_033100.4 (MANE Select); coding-DNA position 395, C replaced by T.
Protein change: p.Ala132Val; replaces alanine 132 with valine.
Molecular consequence: missense variant.
Genome position (GRCh38, 1-based): chr10:84,199,078, C>T. VCF-style: chr10-84199078-C-T. GRCh37 (hg19) VCF-style: chr10-85958834-C-T.
Other names: c.395C>T, p.Ala132Val (NM_001171971.3); c.395C>T (NM_033100.3, NM_033100.2); short protein forms A132V.
Identifiers: ClinVar variation 1045044 (VCV001045044.8), dbSNP rs137998775, ClinGen allele CA210378907.